The following is an entry in ClinVar:

ClinVar aggregate classification (germline): Conflicting classifications of pathogenicity. Review status: criteria provided, conflicting classifications (1 of 4 stars). 3 submissions from 3 submitters: Uncertain significance (1); Likely benign (2). Last evaluated 2025-11-08.

Conditions:
Inborn genetic diseases. Identifiers: MedGen C0950123, MeSH D030342.

Allele frequency attached by ClinVar (database versions not stated): ExAC 0.00002; gnomAD 0.00005 and 0.00006; gnomAD exomes 0.00006 and 0.00002; TOPMed 0.00006; ESP Exome Variant Server 0.00008.
gnomAD v4.1: 92 of 1,612,024 alleles (0.0057%); highest among the groups gnomAD compares: Non-Finnish European, 0.0074%; no homozygotes.

Submissions (3):

Ambry Genetics
Classification: Likely benign for Inborn genetic diseases. Last evaluated: 2025-11-08. Review status: criteria provided, single submitter. Criteria: Ambry Variant Classification Scheme 2023. Collection method: clinical testing. Allele origin: germline.

Labcorp Genetics (formerly Invitae), Labcorp
Classification: Uncertain significance. Last evaluated: 2024-02-05. Review status: criteria provided, single submitter. Criteria: Invitae Variant Classification Sherloc (09022015). Collection method: clinical testing. Allele origin: germline.
Comment: This sequence change replaces proline, which is neutral and non-polar, with threonine, which is neutral and polar, at codon 229 of the KMT2A protein (p.Pro229Thr). This variant is present in population databases (rs143998546, gnomAD 0.004%). This variant has not been reported in the literature in individuals affected with KMT2A-related conditions. ClinVar contains an entry for this variant (Variation ID: 1201089). Advanced modeling of protein sequence and biophysical properties (such as structural, functional, and spatial information, amino acid conservation, physicochemical variation, residue mobility, and thermodynamic stability) performed at Invitae indicates that this missense variant is not expected to disrupt KMT2A protein function with a negative predictive value of 95%. In summary, the available evidence is currently insufficient to determine the role of this variant in disease. Therefore, it has been classified as a Variant of Uncertain Significance.

GeneDx
Classification: Likely benign. Last evaluated: 2020-07-30. Review status: criteria provided, single submitter. Criteria: GeneDx Variant Classification Process June 2021. Collection method: clinical testing. Allele origin: germline. Affected: yes.

NM_001197104.2(KMT2A):c.685C>A (p.Pro229Thr)

Gene: KMT2A (lysine methyltransferase 2A; plus strand). Cytogenetic location: 11q23.3.
Variant type: single nucleotide variant.
Coding change: c.685C>A on transcript NM_001197104.2 (MANE Select); coding-DNA position 685, C replaced by A.
Protein change: p.Pro229Thr; replaces proline 229 with threonine.
Molecular consequence: missense variant.
Genome position (GRCh38, 1-based): chr11:118,471,844, C>A. VCF-style: chr11-118471844-C-A. GRCh37 (hg19) VCF-style: chr11-118342559-C-A.
Other names: c.685C>A, p.Pro229Thr (NM_005933.4); short protein forms P229T.
Identifiers: ClinVar variation 1201089 (VCV001201089.11), dbSNP rs143998546, ClinGen allele CA6303327.